The following is an entry in ClinVar:

NM_198525.3(KIF7):c.2371G>A (p.Ala791Thr)

Gene: KIF7 (kinesin family member 7; minus strand). Cytogenetic location: 15q26.1.
Variant type: single nucleotide variant.
Coding change: c.2371G>A on transcript NM_198525.3 (MANE Select); coding-DNA position 2371, G replaced by A.
Protein change: p.Ala791Thr; replaces alanine 791 with threonine.
Molecular consequence: missense variant.
Genome position (GRCh38, 1-based): chr15:89,642,226, C>T on the plus strand (G>A on the coding strand, the complement: KIF7 is on the minus strand). VCF-style: chr15-89642226-C-T. GRCh37 (hg19) VCF-style: chr15-90185457-C-T.
Other names: short protein forms A791T.
Identifiers: ClinVar variation 1254620 (VCV001254620.10), dbSNP rs748254377, ClinGen allele CA7728215.
Genomic context (GRCh38, chr15:89,642,226, plus strand): 5'-TCACCCCAGCACCCCACCCTGAGGCCCCGAGACTAACCTGCACCTGGCTCTGGGCCGCAG[C>T]GACCCTCCTGCGGAACTCCTGGAGCCGAGACCGCTCGCCAGCATCCTGGAGCTCCTTGCC-3'
Protein context (NP_940927.2, residues 781-801): SRLQEFRRRV[Ala791Thr]AAQSQVQVLK

ClinVar aggregate classification (germline): Uncertain significance. Review status: criteria provided, multiple submitters, no conflicts (2 of 4 stars). 3 submissions from 3 submitters: Uncertain significance (3). Last evaluated 2025-07-15.

Conditions:
Inborn genetic diseases. Identifiers: MedGen C0950123, MeSH D030342.
Acrocallosal syndrome (ACLS). Also called: HALLUX DUPLICATION, POSTAXIAL POLYDACTYLY, AND ABSENCE OF CORPUS CALLOSUM; Schinzel syndrome 1; Absence of corpus callosum with unusual facial appearance, mental deficiency, duplication of the halluces and polydactyly. Identifiers: Orphanet 36, MedGen C0796147, MONDO:0008708, OMIM 200990.

Allele frequency attached by ClinVar (database versions not stated): ExAC 0.00001; gnomAD exomes 0.00001 and 0.00003; gnomAD 0.00004; TOPMed 0.00005.

Submissions (3):

Ambry Genetics
Classification: Uncertain significance for Inborn genetic diseases. Last evaluated: 2025-07-15. Review status: criteria provided, single submitter. Criteria: Ambry Variant Classification Scheme 2023. Collection method: clinical testing. Allele origin: germline.

Labcorp Genetics (formerly Invitae), Labcorp
Classification: Uncertain significance for Acrocallosal syndrome. Last evaluated: 2023-10-03. Review status: criteria provided, single submitter. Criteria: Invitae Variant Classification Sherloc (09022015). Collection method: clinical testing. Allele origin: germline.
Comment: This sequence change replaces alanine, which is neutral and non-polar, with threonine, which is neutral and polar, at codon 791 of the KIF7 protein (p.Ala791Thr). This variant is present in population databases (rs748254377, gnomAD 0.009%). This variant has not been reported in the literature in individuals affected with KIF7-related conditions. ClinVar contains an entry for this variant (Variation ID: 1254620). Advanced modeling of protein sequence and biophysical properties (such as structural, functional, and spatial information, amino acid conservation, physicochemical variation, residue mobility, and thermodynamic stability) performed at Invitae indicates that this missense variant is not expected to disrupt KIF7 protein function. In summary, the available evidence is currently insufficient to determine the role of this variant in disease. Therefore, it has been classified as a Variant of Uncertain Significance.

GeneDx
Classification: Uncertain significance. Last evaluated: 2023-01-18. Review status: criteria provided, single submitter. Criteria: GeneDx Variant Classification Process June 2021. Collection method: clinical testing. Allele origin: germline. Affected: yes.
Comment: Not observed at significant frequency in large population cohorts (gnomAD); In silico analysis supports that this missense variant does not alter protein structure/function; Has not been previously published as pathogenic or benign to our knowledge